The following is an entry in ClinVar:

ClinVar aggregate classification (germline): Likely pathogenic (1 of 4 stars; one submission).

Conditions:
Hereditary cancer-predisposing syndrome. Also called: Tumor predisposition; Neoplastic Syndromes, Hereditary; Hereditary neoplastic syndrome; Hereditary Cancer Syndrome. Identifiers: Orphanet 140162, MedGen C0027672, MeSH D009386, MONDO:0015356.

Submission:

Praxis Für Humangenetik, Biosciencia MVZ Labor Saar
Classification: Likely pathogenic for Hereditary cancer-predisposing syndrome. Last evaluated: 2025-11-24. Review status: criteria provided, single submitter. Criteria: ACMG Guidelines, 2015. Collection method: clinical testing. Allele origin: germline. Affected: yes.
Comment: PM1, PM2, PM5, PP3

NM_000059.4(BRCA2):c.8063T>A (p.Leu2688His)

Gene: BRCA2 (BRCA2 DNA repair associated; plus strand). Cytogenetic location: 13q13.1.
Variant type: single nucleotide variant.
Coding change: c.8063T>A on transcript NM_000059.4 (MANE Select); coding-DNA position 8063, T replaced by A.
Protein change: p.Leu2688His; replaces leucine 2688 with histidine.
Molecular consequence: missense variant. On other transcripts: non-coding transcript variant (1).
Genome position (GRCh38, 1-based): chr13:32,363,265, T>A. VCF-style: chr13-32363265-T-A. GRCh37 (hg19) VCF-style: chr13-32937402-T-A.
Other names: c.7967T>A, p.Leu2656His (NM_001406719.1); c.8063T>A, p.Leu2688His (NM_001406720.1, NM_001432077.1); c.3131T>A, p.Leu1044His (NM_001406721.1); c.1646T>A, p.Leu549His (NM_001406722.1); short protein forms L1044H, L2656H, L2688H, L549H.
Identifiers: ClinVar variation 4819606 (VCV004819606.1).